The following is an entry in ClinVar:

NC_000008.10:g.(?_133894088)_(133920605_?)dup

Gene: TG (thyroglobulin; plus strand). Cytogenetic location: 8q24.22.
Variant type: Duplication.
Identifiers: ClinVar variation 3245568 (VCV003245568.1).

ClinVar aggregate classification (germline): Likely pathogenic (1 of 4 stars; one submission).

Submission:

Labcorp Genetics (formerly Invitae), Labcorp
Classification: Likely pathogenic. Last evaluated: 2023-02-28. Review status: criteria provided, single submitter. Criteria: Invitae Variant Classification Sherloc (09022015). Collection method: clinical testing. Allele origin: unknown.
Comment: This variant results in a copy number gain of the genomic region encompassing exon(s) 6-18 of the TG gene. While the exact position of this variant cannot be determined from the data, sub-genic copy number gains are generally in tandem (PMID: 25640679). This variant is predicted to be out-of-frame, and may result in an absent or disrupted protein product. Loss-of-function variants in TG are known to be pathogenic (PMID: 19837936, 23164529). This variant has not been reported in the literature in individuals affected with TG-related conditions. In summary, the currently available evidence indicates that the variant is pathogenic, but additional data are needed to prove that conclusively. Therefore, this variant has been classified as Likely Pathogenic.

Literature cited by the submitters: PubMed 25640679; PubMed 19837936; PubMed 23164529.